The following is an entry in ClinVar:

NM_152618.3(BBS12):c.1597G>A (p.Glu533Lys)

Gene: BBS12 (Bardet-Biedl syndrome 12; plus strand). Cytogenetic location: 4q27.
Variant type: single nucleotide variant.
Coding change: c.1597G>A on transcript NM_152618.3 (MANE Select); coding-DNA position 1597, G replaced by A.
Protein change: p.Glu533Lys; replaces glutamic acid 533 with lysine.
Molecular consequence: missense variant.
Genome position (GRCh38, 1-based): chr4:122,743,489, G>A. VCF-style: chr4-122743489-G-A. GRCh37 (hg19) VCF-style: chr4-123664644-G-A.
Other names: c.1597G>A, p.Glu533Lys (NM_001178007.2); short protein forms E533K.
Identifiers: ClinVar variation 971841 (VCV000971841.7), dbSNP rs543608786, ClinGen allele CA3069480.

ClinVar aggregate classification (germline): Uncertain significance. Review status: criteria provided, multiple submitters, no conflicts (2 of 4 stars). 4 submissions from 4 submitters: Uncertain significance (3). 1 of the submissions does not count toward it. Last evaluated 2023-05-03.

Conditions:
Inborn genetic diseases. Identifiers: MedGen C0950123, MeSH D030342.
Bardet-Biedl syndrome (BBS). Identifiers: Orphanet 110, MedGen C0752166, MONDO:0015229.
Bardet-Biedl syndrome 12 (BBS12). Identifiers: Orphanet 110, MedGen C1859570, MONDO:0014440, OMIM 615989.

Allele frequency attached by ClinVar (database versions not stated): gnomAD exomes 0.00001 and 0.00006; TOPMed 0.00002; gnomAD 0.00003; ExAC 0.00007; 1000 Genomes Project 30x 0.00016; 1000 Genomes Project 0.00020.
gnomAD v4.1: 14 of 1,614,204 alleles (0.00087%); highest among the groups gnomAD compares: East Asian, 0.029%; no homozygotes.

Submissions (4):

Ambry Genetics
Classification: Uncertain significance for Inborn genetic diseases. Last evaluated: 2023-05-03. Review status: criteria provided, single submitter. Criteria: Ambry Variant Classification Scheme 2023. Collection method: clinical testing. Allele origin: germline.

Labcorp Genetics (formerly Invitae), Labcorp
Classification: Uncertain significance for Bardet-Biedl syndrome. Last evaluated: 2022-09-27. Review status: criteria provided, single submitter. Criteria: Invitae Variant Classification Sherloc (09022015). Collection method: clinical testing. Allele origin: germline.
Comment: This sequence change replaces glutamic acid, which is acidic and polar, with lysine, which is basic and polar, at codon 533 of the BBS12 protein (p.Glu533Lys). This variant is present in population databases (rs543608786, gnomAD 0.08%). This variant has not been reported in the literature in individuals affected with BBS12-related conditions. ClinVar contains an entry for this variant (Variation ID: 971841). Advanced modeling of protein sequence and biophysical properties (such as structural, functional, and spatial information, amino acid conservation, physicochemical variation, residue mobility, and thermodynamic stability) performed at Invitae indicates that this missense variant is not expected to disrupt BBS12 protein function. In summary, the available evidence is currently insufficient to determine the role of this variant in disease. Therefore, it has been classified as a Variant of Uncertain Significance.

Blueprint Genetics
Classification: Uncertain significance. Last evaluated: 2020-04-01. Review status: criteria provided, single submitter. Criteria: ACMG Guidelines, 2015. Collection method: clinical testing. Allele origin: germline.

Natera, Inc.
Classification: Uncertain significance for Bardet-Biedl syndrome type 12. Last evaluated: 2020-02-13. Review status: no assertion criteria provided. Collection method: clinical testing. Allele origin: germline. Not counted in ClinVar's aggregate classification.